The following is an entry in ClinVar:

ClinVar aggregate classification (germline): Likely pathogenic. Review status: criteria provided, multiple submitters, no conflicts (2 of 4 stars). 2 submissions from 2 submitters: Likely pathogenic (2). Last evaluated 2025-09-23.

Conditions:
BAP1-related tumor predisposition syndrome (TPDS1). Also called: Tumor susceptibility linked to germline BAP1 mutations; TUMOR PREDISPOSITION SYNDROME 1; COMMON Syndrome; BAP1 tumor predisposition syndrome. Identifiers: Orphanet 289539, MedGen C3280492, MONDO:0013692, OMIM 614327.

Submissions (4):

Myriad Genetics, Inc.
Classification: Likely pathogenic for BAP1-related tumor predisposition syndrome. Last evaluated: 2025-09-23. Review status: criteria provided, single submitter. Criteria: Myriad Autosomal Dominant, Autosomal Recessive and X-Linked Classification Criteria (2023). Collection method: clinical testing. Allele origin: unknown.
Comment: This variant is considered likely pathogenic. This variant occurs within a consensus splice junction and is predicted to result in abnormal mRNA splicing of either an out-of-frame exon or an in-frame exon necessary for protein stability and/or normal function.

Labcorp Genetics (formerly Invitae), Labcorp
Classification: Likely pathogenic for BAP1-related tumor predisposition syndrome. Last evaluated: 2022-01-12. Review status: criteria provided, single submitter. Criteria: Invitae Variant Classification Sherloc (09022015). Collection method: clinical testing. Allele origin: germline.
Comment: This variant has not been reported in the literature in individuals affected with BAP1-related conditions. Algorithms developed to predict the effect of sequence changes on RNA splicing suggest that this variant may disrupt the consensus splice site. In summary, the currently available evidence indicates that the variant is pathogenic, but additional data are needed to prove that conclusively. Therefore, this variant has been classified as Likely Pathogenic. This sequence change affects an acceptor splice site in intron 12 of the BAP1 gene. It is expected to disrupt RNA splicing. Variants that disrupt the donor or acceptor splice site typically lead to a loss of protein function (PMID: 16199547), and loss-of-function variants in BAP1 are known to be pathogenic (PMID: 21874000, 23684012). This variant is not present in population databases (gnomAD no frequency).

Dr. Peter K. Rogan Lab, Western University
No classification provided (evidence only). Condition: Malignant tumor of urinary bladder. Review status: no classification provided. Collection method: in vitro. Allele origin: not applicable. Functional consequence: retained intron. Not counted in ClinVar's aggregate classification.

MutSpliceDB: a database of splice sites variants effects on splicing, NIH
No classification provided (evidence only). Review status: no classification provided. Collection method: in vivo. Allele origin: not applicable. Functional consequence: retained intron. Not counted in ClinVar's aggregate classification.

Literature cited by the submitters: PubMed 16199547 (cited by Labcorp Genetics (formerly Invitae), Labcorp); PubMed 21874000 (cited by Labcorp Genetics (formerly Invitae), Labcorp); PubMed 23684012 (cited by Labcorp Genetics (formerly Invitae), Labcorp).

NM_004656.4(BAP1):c.1251-1G>C

Gene: BAP1 (BRCA1 associated deubiquitinase 1; minus strand). Cytogenetic location: 3p21.1.
Variant type: single nucleotide variant.
Coding change: c.1251-1G>C on transcript NM_004656.4 (MANE Select); the canonical splice acceptor site of the intron before coding-DNA position 1251, G replaced by C.
Molecular consequence: splice acceptor variant.
Genome position (GRCh38, 1-based): chr3:52,403,895, C>G on the plus strand (G>C on the coding strand, the complement: BAP1 is on the minus strand). VCF-style: chr3-52403895-C-G. GRCh37 (hg19) VCF-style: chr3-52437911-C-G.
Other names: NM_004656.4:c.1251-1G>C; c.1197-1G>C (NM_001410772.1).
Identifiers: ClinVar variation 1334138 (VCV001334138.13), dbSNP rs1578221396, ClinGen allele CA353102566.